The following is an entry in ClinVar:

ClinVar aggregate classification (germline): Pathogenic. Review status: criteria provided, multiple submitters, no conflicts (2 of 4 stars). 4 submissions from 4 submitters: Pathogenic (3). 1 of the submissions does not count toward it. Last evaluated 2025-06-25.

Conditions:
Hereditary cancer-predisposing syndrome. Also called: Hereditary neoplastic syndrome; Hereditary Cancer Syndrome; Tumor predisposition; Neoplastic Syndromes, Hereditary. Identifiers: Orphanet 140162, MedGen C0027672, MeSH D009386, MONDO:0015356.
Familial adenomatous polyposis 1 (FAP1). Also called: FAMILIAL ADENOMATOUS POLYPOSIS 1, ATTENUATED; POLYPOSIS, ADENOMATOUS INTESTINAL. Identifiers: MedGen C2713442, MONDO:0021056, OMIM 175100. Disease mechanism: loss of function.
Carcinoma of colon (CRC). Also called: Colon carcinoma; Colonic carcinoma. Identifiers: MedGen C0699790, MONDO:0002032.

Submissions (4):

GeneKor MSA
Classification: Pathogenic for Hereditary cancer-predisposing syndrome. Last evaluated: 2025-06-25. Review status: criteria provided, single submitter. Criteria: ACMG Guidelines, 2015. Collection method: clinical testing. Allele origin: germline. Affected: yes.
Comment: The c.3467_3470delAAGA pathogenic mutation, located in coding exon 16 of the APC gene, results from a deletion of 4 nucleotides at nucleotide positions 3467 to 3470, causing a translational frameshift with a predicted alternate stop codon (p.E1156Gfs*8). This alteration is expected to result in loss of function by premature protein truncation or nonsense-mediated mRNA decay. This variant is not present in population databases ((rs1554085029), while the mutation database ClinVar contains entries for this variant (VCV000433646.5). This mutation has been reported in multiple patients with familial adenomatous polyposis (FAP) (PMID:1316610, 20223039). For these reasons, this variant has been classified as Pathogenic.

Myriad Genetics, Inc.
Classification: Pathogenic for Familial adenomatous polyposis 1. Last evaluated: 2023-05-08. Review status: criteria provided, single submitter. Criteria: Myriad Autosomal Dominant, Autosomal Recessive and X-Linked Classification Criteria (2023). Collection method: clinical testing. Allele origin: unknown.
Comment: This variant is considered pathogenic. This variant creates a frameshift predicted to result in premature protein truncation.

Ambry Genetics
Classification: Pathogenic for Hereditary cancer-predisposing syndrome. Last evaluated: 2017-05-12. Review status: criteria provided, single submitter. Criteria: Ambry Variant Classification Scheme 2023. Collection method: clinical testing. Allele origin: germline.
Comment: The c.3467_3470delAAGA pathogenic mutation, located in coding exon 15 of the APC gene, results from a deletion of 4 nucleotides at nucleotide positions 3467 to 3470, causing a translational frameshift with a predicted alternate stop codon (p.E1156Gfs*8). This mutation has been reported in multiple patients with familial adenomatous polyposis (FAP) (Miyoshi Y et al. Proc. Natl. Acad. Sci. U.S.A., 1992 May;89:4452-6; Friedl W et al. Hered Cancer Clin Pract, 2005 Sep;3:95-114; G&oacute;mez-Fern&aacute;ndez N et al. BMC Med. Genet., 2009 Jun;10:57). This alteration is expected to result in loss of function by premature protein truncation or nonsense-mediated mRNA decay. As such, this alteration is interpreted as a disease-causing mutation.

Department of Pathology and Laboratory Medicine, Sinai Health System
Classification: Pathogenic for Carcinoma of colon. Review status: no assertion criteria provided. Collection method: clinical testing. Allele origin: unknown. Affected: yes. Observed: 1 variant allele. Study: The Canadian Open Genetics Repository (COGR). Not counted in ClinVar's aggregate classification.
Comment: The p.Glu1156GlyfsX8 variant variant was identified in 6 of 2654 proband chromosomes (frequency: 0.002) from German, Spanish, American and Japanese individuals or families with FAP or AFAP (Gomez-Fernandez 2009, Miyoshi 1992, Friedl 2005); however, control chromosomes were not evaluated in these studies. In a series of 30 gastric adenomas screened for APC mutations, one was found to carry the variant, supporting a role for this APC gene mutation in early stages of gastric adenoma development (Tamura 1994). The variant was identified in, HGMD, COSMIC, InSiGHT Colon Cancer Gene Variant Database, and UMD (2X as unvalidated). In UMD the variant was identified with a co-occurring APC unclassified variant (c.2567delG). The p.Glu1156GlyfsX8 variant leads to a premature stop codon at position 1163, which is predicted to lead to a truncated or absent protein and loss of function. Loss of function variants of the APC gene are an established mechanism of disease in familial adenomatous polyposis and is the type of variant expected to cause the disorder.Notably, this variant occurs 50 base pairs before the penultimate exon junction in the last exon of the gene and stop codon or nonsense mutations in this region may not be subjected to nonsense mediated RNA decay, although further study would be required to validate this hypothesis and it is currently not possible to determine whether or not this might influence the severity of the disorder. In summary, based on the above information, this variant meets our laboratoryâ€šÃ„Ã´s criteria to be classified as pathogenic.

Literature cited by the submitters: PubMed 1316610 (cited by GeneKor MSA and Ambry Genetics); PubMed 20223039 (cited by GeneKor MSA and Ambry Genetics); PubMed 19531215 (cited by Ambry Genetics).

NM_000038.6(APC):c.3467_3470del (p.Glu1156fs)

Gene: APC (APC regulator of Wnt signaling pathway; plus strand). Cytogenetic location: 5q22.2.
Variant type: Deletion.
Coding change: c.3467_3470del on transcript NM_000038.6 (MANE Select); coding-DNA positions 3467 to 3470, 4 bases deleted (AAGA; older notation c.3467_3470delAAGA).
Protein change: p.Glu1156fs; shifts the reading frame from glutamic acid 1156.
Molecular consequence: frameshift variant.
Genome position (GRCh38, 1-based): chr5:112,839,061-112,839,064, AAGA deleted. VCF-style (leftmost placement, unchanged base first): chr5-112839060-GAAGA-G. GRCh37 (hg19) VCF-style: chr5-112174757-GAAGA-G.
Other names: c.3467_3470del, p.Glu1156fs (NM_001127510.3, NM_001354895.2); c.3413_3416del, p.Glu1138fs (NM_001127511.3); c.3521_3524del, p.Glu1174fs (NM_001354896.2); c.3497_3500del, p.Glu1166fs (NM_001354897.2); c.3392_3395del, p.Glu1131fs (NM_001354898.2); c.3383_3386del, p.Glu1128fs (NM_001354899.2); c.3344_3347del, p.Glu1115fs (NM_001354900.2); c.3290_3293del, p.Glu1097fs (NM_001354901.2); and 5 more; short protein forms E1030fs, E1097fs, E1166fs, E1131fs, E1174fs, E996fs, E1128fs, E1138fs.
Identifiers: ClinVar variation 433646 (VCV000433646.6), dbSNP rs1554085029, ClinGen allele CA645372786.
Genomic context (GRCh38, chr5:112,839,060, plus strand): 5'-GAAGATGATAAGCCTACCAATTATAGTGAACGTTACTCTGAAGAAGAACAGCATGAAGAA[GAAGA>G]GAGACCAACAAATTATAGCATAAAATATAATGAAGAGAAACGTCATGTGGATCAGCCTAT-3'